The following is an entry in ClinVar:

ClinVar aggregate classification (germline): Uncertain significance (1 of 4 stars; one submission).

Conditions:
DPAGT1-congenital disorder of glycosylation. Also called: DPAGT1-CDG; CDG Ij; CONGENITAL DISORDER OF GLYCOSYLATION, TYPE Ij. Identifiers: Orphanet 86309, MedGen C2931004, MONDO:0011964, OMIM 608093.
Congenital myasthenic syndrome 13 (CMS13). Also called: Myasthenic syndrome, congenital, with tubular aggregates 2; Myasthenic syndrome, congenital, 13, with tubular aggregates. Identifiers: Orphanet 353327, Orphanet 590, MedGen C3553645, MONDO:0013883, OMIM 614750.

Allele frequency attached by ClinVar (database versions not stated): gnomAD exomes below 0.00001; TOPMed below 0.00001; ExAC 0.00001; gnomAD 0.00001.
gnomAD v4.1: 6 of 1,614,126 alleles (0.00037%); highest among the groups gnomAD compares: Non-Finnish European, 0.00051%; no homozygotes.

Submission:

Labcorp Genetics (formerly Invitae), Labcorp
Classification: Uncertain significance for Congenital myasthenic syndrome 13; DPAGT1-congenital disorder of glycosylation. Last evaluated: 2021-09-01. Review status: criteria provided, single submitter. Criteria: Invitae Variant Classification Sherloc (09022015). Collection method: clinical testing. Allele origin: germline.
Comment: This sequence change replaces leucine with arginine at codon 111 of the DPAGT1 protein (p.Leu111Arg). The leucine residue is highly conserved and there is a moderate physicochemical difference between leucine and arginine. This variant is present in population databases (rs759595271, ExAC 0.001%). This variant has not been reported in the literature in individuals affected with DPAGT1-related conditions. Algorithms developed to predict the effect of missense changes on protein structure and function are either unavailable or do not agree on the potential impact of this missense change (SIFT: "Deleterious"; PolyPhen-2: "Probably Damaging"; Align-GVGD: "Class C0"). In summary, the available evidence is currently insufficient to determine the role of this variant in disease. Therefore, it has been classified as a Variant of Uncertain Significance.

NM_001382.4(DPAGT1):c.332T>G (p.Leu111Arg)

Gene: DPAGT1 (dolichyl-phosphate N-acetylglucosaminephosphotransferase 1; minus strand). Cytogenetic location: 11q23.3.
Variant type: single nucleotide variant.
Coding change: c.332T>G on transcript NM_001382.4 (MANE Select); coding-DNA position 332, T replaced by G.
Protein change: p.Leu111Arg; replaces leucine 111 with arginine.
Molecular consequence: missense variant.
Genome position (GRCh38, 1-based): chr11:119,100,794, A>C on the plus strand (T>G on the coding strand, the complement: DPAGT1 is on the minus strand). VCF-style: chr11-119100794-A-C. GRCh37 (hg19) VCF-style: chr11-118971504-A-C.
Other names: short protein forms L111R.
Identifiers: ClinVar variation 1060830 (VCV001060830.6), dbSNP rs759595271, ClinGen allele CA6314655.